The following is an entry in ClinVar:

NM_000093.5(COL5A1):c.17G>T (p.Arg6Leu)

Gene: COL5A1 (collagen type V alpha 1 chain; plus strand). Cytogenetic location: 9q34.3.
Variant type: single nucleotide variant.
Coding change: c.17G>T on transcript NM_000093.5 (MANE Select); coding-DNA position 17, G replaced by T.
Protein change: p.Arg6Leu; replaces arginine 6 with leucine.
Molecular consequence: missense variant.
Genome position (GRCh38, 1-based): chr9:134,642,204, G>T. VCF-style: chr9-134642204-G-T. GRCh37 (hg19) VCF-style: chr9-137534050-G-T.
Other names: c.17G>T, p.Arg6Leu (NM_001278074.1); short protein forms R6L.
Identifiers: ClinVar variation 1780375 (VCV001780375.4), dbSNP rs1166669897, ClinGen allele CA375443790.

ClinVar aggregate classification (germline): Uncertain significance. Review status: criteria provided, multiple submitters, no conflicts (2 of 4 stars). 2 submissions from 2 submitters: Uncertain significance (2). Last evaluated 2024-07-09.

Conditions:
Ehlers-Danlos syndrome, classic type, 1 (EDSCL1). Also called: Ehlers-Danlos syndrome, type 1; Ehlers-Danlos Syndrome, Classic Type, COL5A1-Related; EDS I; EHLERS-DANLOS SYNDROME, GRAVIS TYPE; EHLERS-DANLOS SYNDROME, SEVERE CLASSIC TYPE. Identifiers: MedGen C0268335, MONDO:0019567, OMIM 130000.
Familial thoracic aortic aneurysm and aortic dissection (TAAD). Also called: Thoracic aortic aneurysms and dissections. Identifiers: Orphanet 91387, MedGen C4707243, MONDO:0019625.

Allele frequency attached by ClinVar (database versions not stated): TOPMed below 0.00001.

Submissions (2):

Labcorp Genetics (formerly Invitae), Labcorp
Classification: Uncertain significance for Ehlers-Danlos syndrome, classic type, 1. Last evaluated: 2024-07-09. Review status: criteria provided, single submitter. Criteria: Invitae Variant Classification Sherloc (09022015). Collection method: clinical testing. Allele origin: germline.
Comment: This sequence change replaces arginine, which is basic and polar, with leucine, which is neutral and non-polar, at codon 6 of the COL5A1 protein (p.Arg6Leu). This variant is not present in population databases (gnomAD no frequency). This variant has not been reported in the literature in individuals affected with COL5A1-related conditions. ClinVar contains an entry for this variant (Variation ID: 1780375). Advanced modeling of protein sequence and biophysical properties (such as structural, functional, and spatial information, amino acid conservation, physicochemical variation, residue mobility, and thermodynamic stability) performed at Invitae indicates that this missense variant is not expected to disrupt COL5A1 protein function with a negative predictive value of 95%. In summary, the available evidence is currently insufficient to determine the role of this variant in disease. Therefore, it has been classified as a Variant of Uncertain Significance.

Ambry Genetics
Classification: Uncertain significance for Familial thoracic aortic aneurysm and aortic dissection. Last evaluated: 2021-07-23. Review status: criteria provided, single submitter. Criteria: Ambry Variant Classification Scheme 2023. Collection method: clinical testing. Allele origin: germline.
Comment: The p.R6L variant (also known as c.17G>T), located in coding exon 1 of the COL5A1 gene, results from a G to T substitution at nucleotide position 17. The arginine at codon 6 is replaced by leucine, an amino acid with dissimilar properties. This amino acid position is highly conserved in available vertebrate species. In addition, the in silico prediction for this alteration is inconclusive. Since supporting evidence is limited at this time, the clinical significance of this alteration remains unclear.